The following is an entry in ClinVar:

ClinVar aggregate classification (germline): Benign. Review status: criteria provided, multiple submitters, no conflicts (2 of 4 stars). 10 submissions from 10 submitters: Benign (8). 2 of the submissions do not count toward it. Last evaluated 2026-02-01.

Conditions:
SYNE2-related disorder. Also called: SYNE2-related condition.
Emery-Dreifuss muscular dystrophy 5, autosomal dominant (EDMD5). Also called: EMERY-DREIFUSS MUSCULAR DYSTROPHY 5. Identifiers: Orphanet 261, MedGen C2751805, MONDO:0013072, OMIM 612999.

Allele frequency attached by ClinVar (database versions not stated): ESP Exome Variant Server 0.02284; TOPMed 0.02827; gnomAD exomes 0.02862 and 0.03588; 1000 Genomes Project 0.02915; gnomAD 0.02936 and 0.02950; 1000 Genomes Project 30x 0.02998; ExAC 0.03380.
gnomAD v4.1: 46,123 of 1,613,676 alleles (2.9%); highest among the groups gnomAD compares: Admixed American, 7.9%; 893 homozygotes.

Submissions (10):

Labcorp Genetics (formerly Invitae), Labcorp
Classification: Benign for Emery-Dreifuss muscular dystrophy 5, autosomal dominant. Last evaluated: 2026-02-01. Review status: criteria provided, single submitter. Criteria: Invitae Variant Classification Sherloc (09022015). Collection method: clinical testing. Allele origin: germline.

PreventionGenetics, part of Exact Sciences
Classification: Benign for SYNE2-related condition. Last evaluated: 2025-01-05. Review status: criteria provided, single submitter. Criteria: ACMG Guidelines, 2015. Collection method: clinical testing. Allele origin: germline.
Comment: This variant is classified as benign based on ACMG/AMP sequence variant interpretation guidelines (Richards et al. 2015 PMID: 25741868, with internal and published modifications).

GeneDx
Classification: Benign. Last evaluated: 2018-07-14. Review status: criteria provided, single submitter. Criteria: GeneDx Variant Classification Process June 2021. Collection method: clinical testing. Allele origin: germline. Affected: yes.

Illumina Laboratory Services, Illumina
Classification: Benign for Emery-Dreifuss muscular dystrophy 5, autosomal dominant. Last evaluated: 2018-01-12. Review status: criteria provided, single submitter. Criteria: ICSL Variant Classification Criteria 13 December 2019. Collection method: clinical testing. Allele origin: germline.
Comment: This variant was observed in the ICSL laboratory as part of a predisposition screen in an ostensibly healthy population. It had not been previously curated by ICSL or reported in the Human Gene Mutation Database (HGMD: prior to June 1st, 2018), and was therefore a candidate for classification through an automated scoring system. Utilizing variant allele frequency, disease prevalence and penetrance estimates, and inheritance mode, an automated score was calculated to assess if this variant is too frequent to cause the disease. Based on the score and internal cut-off values, a variant classified as benign is not then subjected to further curation. The score for this variant resulted in a classification of benign for this disease.

Eurofins Ntd Llc (ga)
Classification: Benign. Last evaluated: 2014-11-14. Review status: criteria provided, single submitter. Criteria: EGL Classification Definitions 2015. Collection method: clinical testing. Allele origin: germline. Observed: 1 variant allele, 1 heterozygote.

Genome Diagnostics Laboratory, University Medical Center Utrecht
Classification: Benign for Emery-Dreifuss muscular dystrophy 5, autosomal dominant. Last evaluated: 2014-10-09. Review status: criteria provided, single submitter. Criteria: ACGS Guidelines, 2013. Collection method: clinical testing. Allele origin: germline. Affected: yes. Study: VKGL Data-share Consensus.

Genetic Services Laboratory, University of Chicago
Classification: Benign for AllHighlyPenetrant. Last evaluated: 2013-08-15. Review status: criteria provided, single submitter. Criteria: ACMG Guidelines, 2007. Collection method: clinical testing. Allele origin: germline. Inheritance: Autosomal dominant inheritance.

Breakthrough Genomics
Classification: Benign. Review status: criteria provided, single submitter. Criteria: ACMG Guidelines, 2015. Collection method: not provided. Allele origin: germline. Inheritance: Autosomal dominant inheritance. Affected: yes.

Clinical Genetics, Academic Medical Center
Classification: Benign. Review status: no assertion criteria provided. Collection method: clinical testing. Allele origin: germline. Affected: yes. Study: VKGL Data-share Consensus. Not counted in ClinVar's aggregate classification.

Laboratory of Diagnostic Genome Analysis, Leiden University Medical Center (LUMC)
Classification: Likely benign. Review status: no assertion criteria provided. Collection method: clinical testing. Allele origin: germline. Affected: yes. Study: VKGL Data-share Consensus. Not counted in ClinVar's aggregate classification.

NM_182914.3(SYNE2):c.7690A>G (p.Ile2564Val)

Gene: SYNE2 (spectrin repeat containing nuclear envelope protein 2; plus strand). Cytogenetic location: 14q23.2.
Variant type: single nucleotide variant.
Coding change: c.7690A>G on transcript NM_182914.3 (MANE Select); coding-DNA position 7690, A replaced by G.
Protein change: p.Ile2564Val; replaces isoleucine 2564 with valine.
Molecular consequence: missense variant.
Genome position (GRCh38, 1-based): chr14:64,051,603, A>G. VCF-style: chr14-64051603-A-G. GRCh37 (hg19) VCF-style: chr14-64518321-A-G.
Other names: c.7690A>G, p.Ile2564Val (NM_015180.6); short protein forms I2564V.
Identifiers: ClinVar variation 130512 (VCV000130512.29), dbSNP rs11628107, ClinGen allele CA155608.